The following is an entry in ClinVar:

ClinVar aggregate classification (germline): Uncertain significance (1 of 4 stars; one submission).

gnomAD v4.1: 2 of 1,589,446 alleles (0.00013%); highest among the groups gnomAD compares: Non-Finnish European, 0.00017%; no homozygotes.

Submission:

Labcorp Genetics (formerly Invitae), Labcorp
Classification: Uncertain significance. Last evaluated: 2022-05-13. Review status: criteria provided, single submitter. Criteria: Invitae Variant Classification Sherloc (09022015). Collection method: clinical testing. Allele origin: germline.
Comment: In summary, the available evidence is currently insufficient to determine the role of this variant in disease. Therefore, it has been classified as a Variant of Uncertain Significance. Algorithms developed to predict the effect of missense changes on protein structure and function are either unavailable or do not agree on the potential impact of this missense change (SIFT: "Deleterious"; PolyPhen-2: "Not Available"; Align-GVGD: "Class C0"). This variant has not been reported in the literature in individuals affected with DSCAML1-related conditions. This variant is not present in population databases (gnomAD no frequency). This sequence change replaces proline, which is neutral and non-polar, with serine, which is neutral and polar, at codon 52 of the DSCAML1 protein (p.Pro52Ser).

NM_020693.4(DSCAML1):c.-27C>T

Gene: DSCAML1 (DS cell adhesion molecule like 1; minus strand). Cytogenetic location: 11q23.3.
Variant type: single nucleotide variant.
Coding change: c.-27C>T on transcript NM_020693.4 (MANE Select); 27 bases upstream of the start codon, C replaced by T.
Molecular consequence: 5 prime UTR variant. On other transcripts: intron variant (1).
Genome position (GRCh38, 1-based): chr11:117,797,106, G>A on the plus strand (C>T on the coding strand, the complement: DSCAML1 is on the minus strand). VCF-style: chr11-117797106-G-A. GRCh37 (hg19) VCF-style: chr11-117667821-G-A.
Other names: c.-27C>T (NM_001367904.1); c.-362-16296C>T (NM_001367905.1).
Identifiers: ClinVar variation 2093460 (VCV002093460.4), dbSNP rs2496887576, ClinGen allele CA382762283.